The following is an entry in ClinVar:

ClinVar aggregate classification (germline): Likely benign. Review status: criteria provided, multiple submitters, no conflicts (2 of 4 stars). 9 submissions from 9 submitters: Likely benign (6). 3 of the submissions do not count toward it. Last evaluated 2025-12-24.

Conditions:
Cardiovascular phenotype. Identifiers: MedGen CN230736.
DSG2-related disorder. Also called: DSG2-related condition.
Arrhythmogenic right ventricular dysplasia 10. Also called: Arrhythmogenic right ventricular dysplasia/cardiomyopathy, type 10; Arrhythmogenic Right Ventricular Dysplasia/Cardiomyopathy10; ARRHYTHMOGENIC RIGHT VENTRICULAR DYSPLASIA, FAMILIAL, 10. Identifiers: MedGen C1857777, MONDO:0012434, OMIM 610193.
Dilated cardiomyopathy 1BB (CMD1BB). Also called: CARDIOMYOPATHY, DILATED, 1BB, SUSCEPTIBILITY TO. Identifiers: Orphanet 154, MedGen C2752072, MONDO:0013030, OMIM 612877.
Cardiomyopathy (CMYO). Also called: Cardiomyopathies. Identifiers: Orphanet 167848, MedGen C0878544, MONDO:0004994, HP:0001638. Inheritance: Various modes of inheritance.
Arrhythmogenic right ventricular cardiomyopathy (ARVD). Also called: Arrhythmogenic cardiomyopathy; Arrhythmogenic Right Ventricular Cardiomyopathy (ARVC); Cardiomyopathy, ARVC; Arrhythmogenic right ventricular dysplasia. Identifiers: Orphanet 247, MedGen C0349788, MeSH D019571, MONDO:0016587. Disease mechanism: loss of function. Inheritance: Various modes of inheritance.

Allele frequency attached by ClinVar (database versions not stated): gnomAD 0.00003; TOPMed 0.00006; ESP Exome Variant Server 0.00017.
gnomAD v4.1: 121 of 1,613,432 alleles (0.0075%); highest among the groups gnomAD compares: Non-Finnish European, 0.0099%; no homozygotes.

Submissions (9):

Labcorp Genetics (formerly Invitae), Labcorp
Classification: Likely benign for Arrhythmogenic right ventricular dysplasia 10. Last evaluated: 2025-12-24. Review status: criteria provided, single submitter. Criteria: Invitae Variant Classification Sherloc (09022015). Collection method: clinical testing. Allele origin: germline.

All of Us Research Program, National Institutes of Health
Classification: Likely benign for Arrhythmogenic right ventricular cardiomyopathy. Last evaluated: 2024-02-05. Review status: criteria provided, single submitter. Criteria: ACMG Guidelines, 2015. Collection method: clinical testing. Allele origin: germline. Inheritance: Autosomal dominant inheritance. Observed: 32 variant alleles, 32 heterozygotes.
Comment: This study involves interpretation of variants in research participants for the purpose of population health screening. Participant phenotype was not available at the time of variant classification. Additional details can be found in publication PMID: 35346344, PMCID: PMC8962531

Fulgent Genetics
Classification: Likely benign for Arrhythmogenic right ventricular dysplasia 10; Dilated cardiomyopathy 1BB. Last evaluated: 2021-08-18. Review status: criteria provided, single submitter. Criteria: ACMG Guidelines, 2015. Collection method: clinical testing. Allele origin: unknown.

GeneDx
Classification: Likely benign. Last evaluated: 2021-04-19. Review status: criteria provided, single submitter. Criteria: GeneDx Variant Classification Process June 2021. Collection method: clinical testing. Allele origin: germline. Affected: yes.

Ambry Genetics
Classification: Likely benign for Cardiovascular phenotype. Last evaluated: 2019-12-10. Review status: criteria provided, single submitter. Criteria: Ambry Variant Classification Scheme 2023. Collection method: clinical testing. Allele origin: germline.

Color Diagnostics, LLC DBA Color Health
Classification: Likely benign for Cardiomyopathy. Last evaluated: 2018-11-27. Review status: criteria provided, single submitter. Criteria: ACMG Guidelines, 2015. Collection method: clinical testing. Allele origin: germline.

PreventionGenetics, part of Exact Sciences
Classification: Likely benign for DSG2-related condition. Last evaluated: 2021-01-29. Review status: no assertion criteria provided. Collection method: clinical testing. Allele origin: germline. Not counted in ClinVar's aggregate classification.
Comment: This variant is classified as likely benign based on ACMG/AMP sequence variant interpretation guidelines (Richards et al. 2015 PMID: 25741868, with internal and published modifications).

Clinical Genetics, Academic Medical Center
Classification: Benign. Review status: no assertion criteria provided. Collection method: clinical testing. Allele origin: germline. Affected: yes. Study: VKGL Data-share Consensus. Not counted in ClinVar's aggregate classification.

Genome Diagnostics Laboratory, University Medical Center Utrecht
Classification: Likely benign. Review status: no assertion criteria provided. Collection method: clinical testing. Allele origin: germline. Affected: yes. Study: VKGL Data-share Consensus. Not counted in ClinVar's aggregate classification.

NM_001943.5(DSG2):c.2340G>T (p.Ala780=)

Genes: DSG2 (desmoglein 2; plus strand), DSG2-AS1 (DSG2 antisense RNA 1; minus strand). Cytogenetic location: 18q12.1.
Variant type: single nucleotide variant.
Coding change: c.2340G>T on transcript NM_001943.5 (MANE Select); coding-DNA position 2340, G replaced by T.
Protein change: p.Ala780=; no amino-acid change (alanine 780 retained).
Molecular consequence: synonymous variant.
Genome position (GRCh38, 1-based): chr18:31,545,726, G>T. VCF-style: chr18-31545726-G-T. GRCh37 (hg19) VCF-style: chr18-29125689-G-T.
Other names: c.2340G>T (LRG_397t1).
Identifiers: ClinVar variation 509789 (VCV000509789.32), dbSNP rs375539435, ClinGen allele CA045850.